The following is an entry in ClinVar:

ClinVar aggregate classification (germline): Uncertain significance (1 of 4 stars; one submission).

Conditions:
Familial temporal lobe epilepsy 7. Identifiers: Orphanet 101046, MedGen C4225327, MONDO:0014639, OMIM 616436.
Norman-Roberts syndrome (LIS2). Also called: Lissencephaly 2 (Norman-Roberts type). Identifiers: Orphanet 89844, MedGen C0796089, MONDO:0009760, OMIM 257320.

Allele frequency attached by ClinVar (database versions not stated): gnomAD exomes below 0.00001; gnomAD 0.00001; TOPMed 0.00001.
gnomAD v4.1: 8 of 1,614,110 alleles (0.0005%); highest among the groups gnomAD compares: South Asian, 0.0011%; no homozygotes.

Submission:

Labcorp Genetics (formerly Invitae), Labcorp
Classification: Uncertain significance for Familial temporal lobe epilepsy 7; Norman-Roberts syndrome. Last evaluated: 2025-01-25. Review status: criteria provided, single submitter. Criteria: Invitae Variant Classification Sherloc (09022015). Collection method: clinical testing. Allele origin: germline.
Comment: This sequence change replaces valine, which is neutral and non-polar, with glycine, which is neutral and non-polar, at codon 2776 of the RELN protein (p.Val2776Gly). This variant is present in population databases (no rsID available, gnomAD 0.01%). This variant has not been reported in the literature in individuals affected with RELN-related conditions. ClinVar contains an entry for this variant (Variation ID: 2934105). Invitae Evidence Modeling of protein sequence and biophysical properties (such as structural, functional, and spatial information, amino acid conservation, physicochemical variation, residue mobility, and thermodynamic stability) indicates that this missense variant is not expected to disrupt RELN protein function with a negative predictive value of 80%. In summary, the available evidence is currently insufficient to determine the role of this variant in disease. Therefore, it has been classified as a Variant of Uncertain Significance.

NM_005045.4(RELN):c.8327T>G (p.Val2776Gly)

Genes: RELN (reelin; minus strand), SLC26A5-AS1 (SLC26A5 antisense RNA 1; plus strand). Cytogenetic location: 7q22.1.
Variant type: single nucleotide variant.
Coding change: c.8327T>G on transcript NM_005045.4 (MANE Select); coding-DNA position 8327, T replaced by G.
Protein change: p.Val2776Gly; replaces valine 2776 with glycine.
Molecular consequence: missense variant.
Genome position (GRCh38, 1-based): chr7:103,503,178, A>C on the plus strand (T>G on the coding strand, the complement: RELN is on the minus strand). VCF-style: chr7-103503178-A-C. GRCh37 (hg19) VCF-style: chr7-103143625-A-C.
Other names: c.8327T>G, p.Val2776Gly (NM_173054.3); short protein forms V2776G.
Identifiers: ClinVar variation 2934105 (VCV002934105.3), dbSNP rs1362352910, ClinGen allele CA368757713.